The following is an entry in ClinVar:

ClinVar aggregate classification (germline): Conflicting classifications of pathogenicity. Review status: criteria provided, conflicting classifications (1 of 4 stars). 3 submissions from 3 submitters: Uncertain significance (2); Likely benign (1). Last evaluated 2025-04-11.

Conditions:
Inborn genetic diseases. Identifiers: MedGen C0950123, MeSH D030342.
Fanconi anemia (FA). Also called: Fanconi's anemia. Identifiers: Orphanet 84, MedGen C0015625, MeSH D005199, MONDO:0019391.

Allele frequency attached by ClinVar (database versions not stated): gnomAD 0.00001; gnomAD exomes 0.00003 and 0.00011; ExAC 0.00014; 1000 Genomes Project 30x 0.00016; 1000 Genomes Project 0.00020.

Submissions (3):

Ambry Genetics
Classification: Likely benign for Inborn genetic diseases. Last evaluated: 2025-04-11. Review status: criteria provided, single submitter. Criteria: Ambry Variant Classification Scheme 2023. Collection method: clinical testing. Allele origin: germline.

Blueprint Genetics
Classification: Uncertain significance. Last evaluated: 2024-05-27. Review status: criteria provided, single submitter. Criteria: ACMG Guidelines, 2015. Collection method: clinical testing. Allele origin: germline.

Labcorp Genetics (formerly Invitae), Labcorp
Classification: Uncertain significance for Fanconi anemia. Last evaluated: 2022-10-01. Review status: criteria provided, single submitter. Criteria: Invitae Variant Classification Sherloc (09022015). Collection method: clinical testing. Allele origin: germline.
Comment: This sequence change replaces serine, which is neutral and polar, with asparagine, which is neutral and polar, at codon 363 of the FANCL protein (p.Ser363Asn). This variant is present in population databases (rs544425912, gnomAD 0.09%). This variant has not been reported in the literature in individuals affected with FANCL-related conditions. ClinVar contains an entry for this variant (Variation ID: 641689). Advanced modeling of protein sequence and biophysical properties (such as structural, functional, and spatial information, amino acid conservation, physicochemical variation, residue mobility, and thermodynamic stability) performed at Invitae indicates that this missense variant is not expected to disrupt FANCL protein function. In summary, the available evidence is currently insufficient to determine the role of this variant in disease. Therefore, it has been classified as a Variant of Uncertain Significance.

NM_018062.4(FANCL):c.1088G>A (p.Ser363Asn)

Gene: FANCL (FA complementation group L; minus strand). Cytogenetic location: 2p16.1.
Variant type: single nucleotide variant.
Coding change: c.1088G>A on transcript NM_018062.4 (MANE Select); coding-DNA position 1088, G replaced by A.
Protein change: p.Ser363Asn; replaces serine 363 with asparagine.
Molecular consequence: missense variant.
Genome position (GRCh38, 1-based): chr2:58,160,112, C>T on the plus strand (G>A on the coding strand, the complement: FANCL is on the minus strand). VCF-style: chr2-58160112-C-T. GRCh37 (hg19) VCF-style: chr2-58387247-C-T.
Other names: c.1103G>A, p.Ser368Asn (NM_001114636.2); c.1133G>A, p.Ser378Asn (NM_001374615.1); c.1148G>A, p.Ser383Asn (NM_001410792.1); short protein forms S368N, S363N, S378N, S383N.
Identifiers: ClinVar variation 641689 (VCV000641689.6), dbSNP rs544425912, ClinGen allele CA1670314.
Genomic context (GRCh38, chr2:58,160,112, plus strand): 5'-AACATATTACTGAAAGCTAGGCACATTTTATGAGATGTGATTAACAATTTGCTTACCTTA[C>T]TACAATATGGACATTCACCAAATATGATGTTAAAACTCTGTCTACTAGTTAGTAGTCCTC-3'
Protein context (NP_060532.2, residues 353-373): NIIFGECPYC[Ser363Asn]KPITLKMSGR